The following is an entry in ClinVar:

ClinVar aggregate classification (germline): Uncertain significance (1 of 4 stars; one submission).

Submission:

Labcorp Genetics (formerly Invitae), Labcorp
Classification: Uncertain significance. Last evaluated: 2022-06-19. Review status: criteria provided, single submitter. Criteria: Invitae Variant Classification Sherloc (09022015). Collection method: clinical testing. Allele origin: germline.
Comment: This sequence change replaces asparagine, which is neutral and polar, with serine, which is neutral and polar, at codon 1442 of the VCAN protein (p.Asn1442Ser). Algorithms developed to predict the effect of missense changes on protein structure and function are either unavailable or do not agree on the potential impact of this missense change (SIFT: "Deleterious"; PolyPhen-2: "Benign"; Align-GVGD: "Class C45"). In summary, the available evidence is currently insufficient to determine the role of this variant in disease. Therefore, it has been classified as a Variant of Uncertain Significance. This variant has not been reported in the literature in individuals affected with VCAN-related conditions. This variant is not present in population databases (gnomAD no frequency).

NM_004385.5(VCAN):c.4325A>G (p.Asn1442Ser)

Genes: VCAN (versican; plus strand), VCAN-AS1 (VCAN antisense RNA 1; minus strand). Cytogenetic location: 5q14.3.
Variant type: single nucleotide variant.
Coding change: c.4325A>G on transcript NM_004385.5 (MANE Select); coding-DNA position 4325, A replaced by G.
Protein change: p.Asn1442Ser; replaces asparagine 1442 with serine.
Molecular consequence: missense variant. On other transcripts: intron variant (2).
Genome position (GRCh38, 1-based): chr5:83,537,328, A>G. VCF-style: chr5-83537328-A-G. GRCh37 (hg19) VCF-style: chr5-82833147-A-G.
Other names: c.1364A>G, p.Asn455Ser (NM_001164097.2); c.4004-8209A>G (NM_001164098.2); c.1043-8209A>G (NM_001126336.3); short protein forms N1442S, N455S.
Identifiers: ClinVar variation 2037723 (VCV002037723.4), dbSNP rs1746760914, ClinGen allele CA360308011.
Genomic context (GRCh38, chr5:83,537,328, plus strand): 5'-AGGACCCAGAAGCTGCAGAAGCTAGGCGTGGCCAGTTTGAAAGTGTTGCACCTTCTCAGA[A>G]TTTCTCGGACAGCTCTGAAAGTGATACTCATCCATTTGTAATAGCCAAAACGGAATTGTC-3'
Protein context (NP_004376.2, residues 1432-1452): GQFESVAPSQ[Asn1442Ser]FSDSSESDTH